The following is an entry in ClinVar:

ClinVar aggregate classification (germline): Pathogenic (1 of 4 stars; one submission).

Conditions:
Familial adenomatous polyposis 1 (FAP1). Also called: POLYPOSIS, ADENOMATOUS INTESTINAL; FAMILIAL ADENOMATOUS POLYPOSIS 1, ATTENUATED. Identifiers: MedGen C2713442, MONDO:0021056, OMIM 175100. Disease mechanism: loss of function.

Submission:

Myriad Genetics, Inc.
Classification: Pathogenic for Familial adenomatous polyposis 1. Last evaluated: 2023-04-28. Review status: criteria provided, single submitter. Criteria: Myriad Autosomal Dominant, Autosomal Recessive and X-Linked Classification Criteria (2023). Collection method: clinical testing. Allele origin: unknown.
Comment: This variant is considered pathogenic. This variant creates a frameshift predicted to result in premature protein truncation.

NM_000038.6(APC):c.1222dup (p.His408fs)

Gene: APC (APC regulator of Wnt signaling pathway; plus strand). Cytogenetic location: 5q22.2.
Variant type: Duplication.
Coding change: c.1222dup on transcript NM_000038.6 (MANE Select); coding-DNA position 1222, one base duplicated (C; older notation c.1222dupC).
Protein change: p.His408fs; shifts the reading frame from histidine 408.
Molecular consequence: frameshift variant. On other transcripts: non-coding transcript variant (2), intron variant (15).
Genome position (GRCh38, 1-based): chr5:112,819,254, C duplicated. VCF-style (leftmost placement, unchanged base first): chr5-112819253-T-TC. GRCh37 (hg19) VCF-style: chr5-112154950-T-TC.
Other names: c.1222dup, p.His408fs (NM_001127510.3, NM_001354895.2, NM_001354896.2 and 4 more transcripts); c.1168dup, p.His390fs (NM_001127511.3); c.1252dup, p.His418fs (NM_001354897.2, NM_001407446.1); c.1147dup, p.His383fs (NM_001354898.2, NM_001407451.1); c.1138dup, p.His380fs (NM_001354899.2, NM_001407452.1); c.1045dup, p.His349fs (NM_001354900.2, NM_001354901.2, NM_001407453.1); c.373dup, p.His125fs (NM_001354906.2, NM_001407470.1); c.85-15dup (NM_001407472.1, NM_001407471.1); and 5 more; short protein forms H125fs, H349fs, H380fs, H383fs, H390fs, H408fs, H418fs.
Identifiers: ClinVar variation 2583655 (VCV002583655.2), dbSNP rs2533054364, ClinGen allele CA2582341266.
Genomic context (GRCh38, chr5:112,819,253, plus strand): 5'-CCACAACATCATTCACTCACAGCCTGATGACAAGAGAGGCAGGCGTGAAATCCGAGTCCT[T>TC]CATCTTTTGGAACAGATACGCGCTTACTGTGAAACCTGTTGGGAGTGGCAGGAAGCTCAT-3'